The following is an entry in ClinVar:

NM_005228.5(EGFR):c.2397G>A (p.Leu799=)

Genes: EGFR-AS1 (EGFR antisense RNA 1; minus strand), EGFR (epidermal growth factor receptor; plus strand). Cytogenetic location: 7p11.2.
Variant type: single nucleotide variant.
Coding change: c.2397G>A on transcript NM_005228.5 (MANE Select); coding-DNA position 2397, G replaced by A.
Protein change: p.Leu799=; no amino-acid change (leucine 799 retained).
Molecular consequence: synonymous variant. On other transcripts: non-coding transcript variant (1).
Genome position (GRCh38, 1-based): chr7:55,181,406, G>A. VCF-style: chr7-55181406-G-A. GRCh37 (hg19) VCF-style: chr7-55249099-G-A.
Other names: c.2262G>A, p.Leu754= (NM_001346897.2, NM_001346899.2); c.2397G>A, p.Leu799= (NM_001346898.2); c.2238G>A, p.Leu746= (NM_001346900.2); c.1596G>A, p.Leu532= (NM_001346941.2).
Identifiers: ClinVar variation 2883812 (VCV002883812.5), dbSNP rs2128958716, ClinGen allele CA455165213.

ClinVar aggregate classification (germline): Benign/Likely benign. Review status: criteria provided, multiple submitters, no conflicts (2 of 4 stars). 3 submissions from 3 submitters: Benign (1); Likely benign (2). Last evaluated 2024-10-16.

Conditions:
EGFR-related lung cancer (EGFR). Identifiers: MedGen CN130014.
Hereditary cancer-predisposing syndrome. Also called: Hereditary Cancer Syndrome; Hereditary neoplastic syndrome; Tumor predisposition; Neoplastic Syndromes, Hereditary. Identifiers: Orphanet 140162, MedGen C0027672, MeSH D009386, MONDO:0015356.
Lung cancer. Also called: Malignant tumor of lung; Lung cancer, somatic. Identifiers: MedGen C0242379, MONDO:0008903, OMIM 211980.

Submissions (3):

Myriad Genetics, Inc.
Classification: Benign for Lung cancer. Last evaluated: 2024-10-16. Review status: criteria provided, single submitter. Criteria: Myriad Autosomal Dominant, Autosomal Recessive and X-Linked Classification Criteria (2023). Collection method: clinical testing. Allele origin: unknown.
Comment: This variant is considered benign. This variant is a silent/synonymous amino acid change and it is not expected to impact splicing.

Ambry Genetics
Classification: Likely benign for Hereditary cancer-predisposing syndrome. Last evaluated: 2024-02-01. Review status: criteria provided, single submitter. Criteria: Ambry Variant Classification Scheme 2023. Collection method: clinical testing. Allele origin: germline.

Labcorp Genetics (formerly Invitae), Labcorp
Classification: Likely benign for EGFR-related lung cancer. Last evaluated: 2023-03-08. Review status: criteria provided, single submitter. Criteria: Invitae Variant Classification Sherloc (09022015). Collection method: clinical testing. Allele origin: germline.